The following is an entry in ClinVar:

NM_004655.4(AXIN2):c.1463C>T (p.Pro488Leu)

Gene: AXIN2 (axin 2; minus strand). Cytogenetic location: 17q24.1.
Variant type: single nucleotide variant.
Coding change: c.1463C>T on transcript NM_004655.4 (MANE Select); coding-DNA position 1463, C replaced by T.
Protein change: p.Pro488Leu; replaces proline 488 with leucine.
Molecular consequence: missense variant.
Genome position (GRCh38, 1-based): chr17:65,537,573, G>A on the plus strand (C>T on the coding strand, the complement: AXIN2 is on the minus strand). VCF-style: chr17-65537573-G-A. GRCh37 (hg19) VCF-style: chr17-63533691-G-A.
Other names: c.1463C>T, p.Pro488Leu (NM_001363813.1); short protein forms P488L.
Identifiers: ClinVar variation 1773199 (VCV001773199.2), dbSNP rs2509414571, ClinGen allele CA400677447.

ClinVar aggregate classification (germline): Uncertain significance (1 of 4 stars; one submission).

Conditions:
Hereditary cancer-predisposing syndrome. Also called: Hereditary Cancer Syndrome; Hereditary neoplastic syndrome; Neoplastic Syndromes, Hereditary; Tumor predisposition. Identifiers: Orphanet 140162, MedGen C0027672, MeSH D009386, MONDO:0015356.

Submission:

Ambry Genetics
Classification: Uncertain significance for Hereditary cancer-predisposing syndrome. Last evaluated: 2022-02-06. Review status: criteria provided, single submitter. Criteria: Ambry Variant Classification Scheme 2023. Collection method: clinical testing. Allele origin: germline.
Comment: The p.P488L variant (also known as c.1463C>T), located in coding exon 5 of the AXIN2 gene, results from a C to T substitution at nucleotide position 1463. The proline at codon 488 is replaced by leucine, an amino acid with similar properties. This amino acid position is conserved. In addition, this alteration is predicted to be tolerated by in silico analysis. Since supporting evidence is limited at this time, the clinical significance of this alteration remains unclear.